The following is an entry in ClinVar:

NM_001356.5(DDX3X):c.1808G>A (p.Arg603Gln)

Gene: DDX3X (DEAD-box helicase 3 X-linked; plus strand). Cytogenetic location: Xp11.4.
Variant type: single nucleotide variant.
Coding change: c.1808G>A on transcript NM_001356.5 (MANE Select); coding-DNA position 1808, G replaced by A.
Protein change: p.Arg603Gln; replaces arginine 603 with glutamine.
Molecular consequence: missense variant. On other transcripts: non-coding transcript variant (1).
Genome position (GRCh38, 1-based): chrX:41,347,350, G>A. VCF-style: chrX-41347350-G-A. GRCh37 (hg19) VCF-style: chrX-41206603-G-A.
Other names: c.1805G>A, p.Arg602Gln (NM_001193416.3); c.1760G>A, p.Arg587Gln (NM_001193417.3); c.1247G>A, p.Arg416Gln (NM_001363819.1); c.1805G>A (NM_001193416.1); short protein forms R416Q, R603Q, R587Q, R602Q.
Identifiers: ClinVar variation 2152342 (VCV002152342.5), dbSNP rs2519527570, ClinGen allele CA412778847.
Genomic context (GRCh38, chrX:41,347,350, plus strand): 5'-CAACATAATTTTTTTCTTATAGTAGCAGATTTAGTGGAGGGTTTGGTGCCAGAGACTACC[G>A]ACAAAGTAGCGGTGCCAGCAGTTCCAGCTTCAGCAGCAGCCGCGCAAGCAGCAGCCGCAG-3'
Protein context (NP_001347.3, residues 593-613): FSGGFGARDY[Arg603Gln]QSSGASSSSF

ClinVar aggregate classification (germline): Conflicting classifications of pathogenicity. Review status: criteria provided, conflicting classifications (1 of 4 stars). 2 submissions from 2 submitters: Pathogenic (1); Uncertain significance (1). Last evaluated 2024-09-15.

Submissions (2):

GeneDx
Classification: Pathogenic. Last evaluated: 2024-09-15. Review status: criteria provided, single submitter. Criteria: GeneDx Variant Classification Process June 2021. Collection method: clinical testing. Allele origin: germline. Affected: yes.
Comment: Not observed at significant frequency in large population cohorts (gnomAD); In silico analysis supports that this missense variant has a deleterious effect on protein structure/function; This variant is associated with the following publications: (PMID: 32714884, 30349862)

Labcorp Genetics (formerly Invitae), Labcorp
Classification: Uncertain significance. Last evaluated: 2024-03-02. Review status: criteria provided, single submitter. Criteria: Invitae Variant Classification Sherloc (09022015). Collection method: clinical testing. Allele origin: germline.
Comment: This sequence change replaces arginine, which is basic and polar, with glutamine, which is neutral and polar, at codon 602 of the DDX3X protein (p.Arg602Gln). This variant is not present in population databases (gnomAD no frequency). This missense change has been observed in individual(s) with intellectual disability (PMID: 30349862). ClinVar contains an entry for this variant (Variation ID: 2152342). Experimental studies and prediction algorithms are not available or were not evaluated, and the functional significance of this variant is currently unknown. In summary, the available evidence is currently insufficient to determine the role of this variant in disease. Therefore, it has been classified as a Variant of Uncertain Significance.

Literature cited by the submitters: PubMed 30349862 (cited by Labcorp Genetics (formerly Invitae), Labcorp).